The following is an entry in ClinVar:

ClinVar aggregate classification (germline): Conflicting classifications of pathogenicity. Review status: criteria provided, conflicting classifications (1 of 4 stars). 3 submissions from 2 submitters: Uncertain significance (1); Benign (1); Likely benign (1). Last evaluated 2025-08-08.

Conditions:
Hereditary spherocytosis type 1. Also called: Spherocytosis type 1; ANK1-Related Spherocytosis. Identifiers: Orphanet 822, MedGen C2674218, MONDO:0008447, OMIM 182900.
Spherocytosis. Identifiers: MedGen C0553720, HP:0004444.

Allele frequency attached by ClinVar (database versions not stated): gnomAD 0.00023; TOPMed 0.00023; ESP Exome Variant Server 0.00038; ExAC 0.00059; 1000 Genomes Project 0.00060; 1000 Genomes Project 30x 0.00062; gnomAD exomes 0.00064.
gnomAD v4.1: 502 of 1,612,862 alleles (0.031%); highest among the groups gnomAD compares: South Asian, 0.11%; 5 homozygotes.

Submissions (3):

Labcorp Genetics (formerly Invitae), Labcorp
Classification: Benign. Last evaluated: 2025-08-08. Review status: criteria provided, single submitter. Criteria: Invitae Variant Classification Sherloc (09022015). Collection method: clinical testing. Allele origin: germline.

Illumina Laboratory Services, Illumina
Classification: Likely benign for Hereditary spherocytosis type 1. Last evaluated: 2018-01-13. Review status: criteria provided, single submitter. Criteria: ICSL Variant Classification Criteria 13 December 2019. Collection method: clinical testing. Allele origin: germline.
Comment: This variant was observed in the ICSL laboratory as part of a predisposition screen in an ostensibly healthy population. It had not been previously curated by ICSL or reported in the Human Gene Mutation Database (HGMD: prior to June 1st, 2018), and was therefore a candidate for classification through an automated scoring system. Utilizing variant allele frequency, disease prevalence and penetrance estimates, and inheritance mode, an automated score was calculated to assess if this variant is too frequent to cause the disease. Based on the score and internal cut-off values, a variant classified as likely benign is not then subjected to further curation. The score for this variant resulted in a classification of likely benign for this disease.

Illumina Laboratory Services, Illumina
Classification: Uncertain significance for Spherocytosis. Last evaluated: 2018-01-13. Review status: criteria provided, single submitter. Criteria: ICSL Variant Classification Criteria 13 December 2019. Collection method: clinical testing. Allele origin: germline.

NM_000037.4(ANK1):c.2097+15C>T

Gene: ANK1 (ankyrin 1; minus strand). Cytogenetic location: 8p11.21.
Variant type: single nucleotide variant.
Coding change: c.2097+15C>T on transcript NM_000037.4 (MANE Select); 15 bases into the intron after coding-DNA position 2097, C replaced by T.
Molecular consequence: intron variant.
Genome position (GRCh38, 1-based): chr8:41,706,128, G>A on the plus strand (C>T on the coding strand, the complement: ANK1 is on the minus strand). VCF-style: chr8-41706128-G-A. GRCh37 (hg19) VCF-style: chr8-41563646-G-A.
Other names: c.2196+15C>T (NM_001142446.2); c.2097+15C>T (NM_020477.3, NM_020475.3, NM_020476.3).
Identifiers: ClinVar variation 363020 (VCV000363020.9), dbSNP rs200206750, ClinGen allele CA4728370.